The following is an entry in ClinVar:

ClinVar aggregate classification (germline): Uncertain significance (1 of 4 stars; one submission).

Allele frequency attached by ClinVar (database versions not stated): TOPMed below 0.00001.

Submission:

Labcorp Genetics (formerly Invitae), Labcorp
Classification: Uncertain significance. Last evaluated: 2023-10-13. Review status: criteria provided, single submitter. Criteria: Invitae Variant Classification Sherloc (09022015). Collection method: clinical testing. Allele origin: germline.
Comment: This sequence change replaces asparagine, which is neutral and polar, with serine, which is neutral and polar, at codon 130 of the ASNS protein (p.Asn130Ser). This variant is not present in population databases (gnomAD no frequency). This variant has not been reported in the literature in individuals affected with ASNS-related conditions. ClinVar contains an entry for this variant (Variation ID: 1360503). Advanced modeling of protein sequence and biophysical properties (such as structural, functional, and spatial information, amino acid conservation, physicochemical variation, residue mobility, and thermodynamic stability) performed at Invitae indicates that this missense variant is not expected to disrupt ASNS protein function. In summary, the available evidence is currently insufficient to determine the role of this variant in disease. Therefore, it has been classified as a Variant of Uncertain Significance.

NM_001673.5(ASNS):c.389A>G (p.Asn130Ser)

Genes: ASNS (asparagine synthetase (glutamine-hydrolyzing); minus strand), CZ1P-ASNS (CZ1P-ASNS readthrough; minus strand). Cytogenetic location: 7q21.3.
Variant type: single nucleotide variant.
Coding change: c.389A>G on transcript NM_001673.5 (MANE Select); coding-DNA position 389, A replaced by G.
Protein change: p.Asn130Ser; replaces asparagine 130 with serine.
Molecular consequence: missense variant. On other transcripts: non-coding transcript variant (1).
Genome position (GRCh38, 1-based): chr7:97,864,357, T>C on the plus strand (A>G on the coding strand, the complement: ASNS is on the minus strand). VCF-style: chr7-97864357-T-C. GRCh37 (hg19) VCF-style: chr7-97493669-T-C.
Other names: c.326A>G, p.Asn109Ser (NM_001178075.2); c.140A>G, p.Asn47Ser (NM_001178076.2, NM_001178077.1); c.389A>G, p.Asn130Ser (NM_001352496.2, NM_133436.3, NM_183356.4); short protein forms N47S, N109S, N130S.
Identifiers: ClinVar variation 1360503 (VCV001360503.6), dbSNP rs1791859558, ClinGen allele CA368271338.